The following is an entry in ClinVar:

NM_017433.5(MYO3A):c.2413G>T (p.Val805Leu)

Gene: MYO3A (myosin IIIA; plus strand). Cytogenetic location: 10p12.1.
Variant type: single nucleotide variant.
Coding change: c.2413G>T on transcript NM_017433.5 (MANE Select); coding-DNA position 2413, G replaced by T.
Protein change: p.Val805Leu; replaces valine 805 with leucine.
Molecular consequence: missense variant.
Genome position (GRCh38, 1-based): chr10:26,143,598, G>T. VCF-style: chr10-26143598-G-T. GRCh37 (hg19) VCF-style: chr10-26432527-G-T.
Other names: short protein forms V805L.
Identifiers: ClinVar variation 1306741 (VCV001306741.2), dbSNP rs2131846771, ClinGen allele CA376334762.

ClinVar aggregate classification (germline): Uncertain significance (1 of 4 stars; one submission).

Submission:

GeneDx
Classification: Uncertain significance. Last evaluated: 2019-06-26. Review status: criteria provided, single submitter. Criteria: GeneDx Variant Classification Process June 2021. Collection method: clinical testing. Allele origin: germline. Affected: yes.
Comment: Not observed in large population cohorts (Lek et al., 2016); In silico analysis, which includes protein predictors and evolutionary conservation, supports that this variant does not alter protein structure/function; Has not been previously published as pathogenic or benign to our knowledge